The following is an entry in ClinVar:

ClinVar aggregate classification (germline): Benign/Likely benign. Review status: criteria provided, multiple submitters, no conflicts (2 of 4 stars). 2 submissions from 2 submitters: Benign (1); Likely benign (1). Last evaluated 2026-02-01.

Conditions:
Primary dilated cardiomyopathy (DCM). Also called: Dilated Cardiomyopathy. Identifiers: Orphanet 217604, MedGen C0007193, MeSH D002311, MONDO:0005021, HP:0001644. Inheritance: Various modes of inheritance.

Submissions (2):

Labcorp Genetics (formerly Invitae), Labcorp
Classification: Likely benign for Primary dilated cardiomyopathy. Last evaluated: 2026-02-01. Review status: criteria provided, single submitter. Criteria: Invitae Variant Classification Sherloc (09022015). Collection method: clinical testing. Allele origin: germline.

Women's Health and Genetics/Laboratory Corporation of America, LabCorp
Classification: Benign. Last evaluated: 2023-12-11. Review status: criteria provided, single submitter. Criteria: LabCorp Variant Classification Summary - May 2015. Collection method: clinical testing. Allele origin: germline.
Comment: Variant summary: NEBL c.1008+4_1008+5delinsTG alters a nucleotide located close to a canonical splice site and therefore could affect mRNA splicing, leading to a significantly altered protein sequence. The variant is a multinucleotide combination of c.1008+5A>G and c.1008+4C>T. Consensus agreement among computation tools predict no significant impact on normal splicing. However, these predictions have yet to be confirmed by functional studies. The variant allele was found at a frequency of 0.0016 in 281582 control chromosomes in the gnomAD database, including 3 homozygotes. The observed variant frequency is approximately 207.74 fold of the estimated maximal expected allele frequency for a pathogenic variant in NEBL causing Dilated Cardiomyopathy phenotype (7.8e-06), strongly suggesting that the variant is benign. To our knowledge, no occurrence of c.1008+4_1008+5delinsTG in individuals affected with Dilated Cardiomyopathy and no experimental evidence demonstrating its impact on protein function have been reported. One submitter has cited clinical-significance assessments for this variant to ClinVar after 2014 and has classified the variant as benign/likely benign. Based on the evidence outlined above, the variant was classified as benign.

NM_006393.3(NEBL):c.1008+4_1008+5inv

Gene: NEBL (nebulette; minus strand). Cytogenetic location: 10p12.31.
Variant type: Inversion.
Coding change: c.1008+4_1008+5inv on transcript NM_006393.3 (MANE Select).
Molecular consequence: intron variant.
Genome position: GRCh38 VCF-style: chr10-20852540-TG-CA. GRCh37 (hg19) VCF-style: chr10-21141469-TG-CA.
Other names: c.250-39601_250-39600inv (NM_001377326.1, NM_001377327.1, NM_001377328.1); c.358-39601_358-39600inv (NM_213569.2, NM_001173484.2, NM_001377322.1); c.301-39601_301-39600inv (NM_001377324.1); c.292-39601_292-39600inv (NM_001377325.1); c.310-39601_310-39600inv (NM_001377323.1); c.1008+4_1008+5invCA (NM_006393.2); c.1008+4_1008+5delinsTG (NM_006393.3).
Identifiers: ClinVar variation 240644 (VCV000240644.12), ClinGen allele CA10582714.